The following is an entry in ClinVar:

NM_001048174.2(MUTYH):c.382T>G (p.Trp128Gly)

Gene: MUTYH (mutY DNA glycosylase; minus strand). Cytogenetic location: 1p34.1.
Variant type: single nucleotide variant.
Coding change: c.382T>G on transcript NM_001048174.2 (MANE Select); coding-DNA position 382, T replaced by G.
Protein change: p.Trp128Gly; replaces tryptophan 128 with glycine.
Molecular consequence: missense variant. On other transcripts: non-coding transcript variant (6), intron variant (4).
Genome position (GRCh38, 1-based): chr1:45,332,956, A>C on the plus strand (T>G on the coding strand, the complement: MUTYH is on the minus strand). VCF-style: chr1-45332956-A-C. GRCh37 (hg19) VCF-style: chr1-45798628-A-C.
Other names: c.382T>G, p.Trp128Gly (NM_001048171.2, NM_001048173.2, NM_001293195.2 and 5 more transcripts); c.385T>G, p.Trp129Gly (NM_001048172.2, NM_001407071.1, NM_001407078.1 and 1 more transcripts); c.466T>G, p.Trp156Gly (NM_001128425.2); c.427T>G, p.Trp143Gly (NM_001293190.2); c.415T>G, p.Trp139Gly (NM_001293191.2, NM_001407077.1); c.106T>G, p.Trp36Gly (NM_001293192.2, NM_001293196.2, NM_001407091.1); c.37T>G, p.Trp13Gly (NM_001350650.2, NM_001350651.2, NM_001407082.1); c.298T>G, p.Trp100Gly (NM_001407075.1); and 7 more; short protein forms W128G, W13G, W156G, W36G, W129G, W139G, W142G, W100G.
Identifiers: ClinVar variation 2453346 (VCV002453346.3), dbSNP rs1557481282, ClinGen allele CA340136022.

ClinVar aggregate classification (germline): Likely pathogenic (1 of 4 stars; one submission).

Conditions:
Hereditary cancer-predisposing syndrome. Also called: Neoplastic Syndromes, Hereditary; Tumor predisposition; Hereditary neoplastic syndrome; Hereditary Cancer Syndrome. Identifiers: Orphanet 140162, MedGen C0027672, MeSH D009386, MONDO:0015356.

Submission:

Ambry Genetics
Classification: Likely pathogenic for Hereditary cancer-predisposing syndrome. Last evaluated: 2025-08-18. Review status: criteria provided, single submitter. Criteria: Ambry Variant Classification Scheme 2023. Collection method: clinical testing. Allele origin: germline.
Comment: The p.W156G variant (also known as c.466T>G), located in coding exon 6 of the MUTYH gene, results from a T to G substitution at nucleotide position 466. The tryptophan at codon 156 is replaced by glycine, an amino acid with highly dissimilar properties. In a massively parallel cell-based functional assay testing 7,8-dihydro-8- oxoguanine:adenine (8OG:A) repair activity, a byproduct of oxidative damage, this variant was reported to be non-functional (Hemker SL et al. Am J Hum Genet. Published online July 29, 2025. DOI: 10.1016/j.ajhg.2025.07.005). This amino acid position is not well conserved in available vertebrate species. In addition, this alteration is predicted to be deleterious by in silico analysis. This variant is considered to be rare based on population cohorts in the Genome Aggregation Database (gnomAD). Based on the majority of available evidence to date, this variant is likely to be pathogenic.

Literature cited by the submitters: PubMed 40738107.